The following is an entry in ClinVar:

NM_001903.5(CTNNA1):c.1127G>C (p.Arg376Thr)

Gene: CTNNA1 (catenin alpha 1; plus strand). Cytogenetic location: 5q31.2.
Variant type: single nucleotide variant.
Coding change: c.1127G>C on transcript NM_001903.5 (MANE Select); coding-DNA position 1127, G replaced by C.
Protein change: p.Arg376Thr; replaces arginine 376 with threonine.
Molecular consequence: missense variant. On other transcripts: intron variant (2), 5 prime UTR variant (5).
Genome position (GRCh38, 1-based): chr5:138,886,276, G>C. VCF-style: chr5-138886276-G-C. GRCh37 (hg19) VCF-style: chr5-138221965-G-C.
Other names: c.-58+10679G>C (NM_001324012.1); c.-61+10679G>C (NM_001324010.1); c.1127G>C, p.Arg376Thr (NM_001290307.3, NM_001323982.2, NM_001323983.1 and 3 more transcripts); c.818G>C, p.Arg273Thr (NM_001290309.3); c.758G>C, p.Arg253Thr (NM_001290310.3); c.17G>C, p.Arg6Thr (NM_001290312.1, NM_001323987.1, NM_001323988.1 and 18 more transcripts); c.-381G>C (NM_001324006.1, NM_001324007.1, NM_001324008.1 and 1 more transcripts); c.-256G>C (NM_001324013.1); short protein forms R253T, R273T, R6T, R376T.
Identifiers: ClinVar variation 1799409 (VCV001799409.2), dbSNP rs2532981908, ClinGen allele CA361132615.
Genomic context (GRCh38, chr5:138,886,276, plus strand): 5'-GACGTAAAGAAAGAAGTGATGCACTCAATTCTGCAATAGATAAAATGACCAAGAAGACCA[G>C]GGACTTGCGTAGACAGGTAATCTGGATGAAAGTGCTGATTGTTTTTCTAAGTTCTCAATT-3'
Protein context (NP_001894.2, residues 366-386): SAIDKMTKKT[Arg376Thr]DLRRQLRKAV

ClinVar aggregate classification (germline): Uncertain significance (1 of 4 stars; one submission).

Conditions:
Hereditary cancer-predisposing syndrome. Also called: Neoplastic Syndromes, Hereditary; Tumor predisposition; Hereditary Cancer Syndrome; Hereditary neoplastic syndrome. Identifiers: Orphanet 140162, MedGen C0027672, MeSH D009386, MONDO:0015356.

Submission:

Ambry Genetics
Classification: Uncertain significance for Hereditary cancer-predisposing syndrome. Last evaluated: 2021-12-08. Review status: criteria provided, single submitter. Criteria: Ambry Variant Classification Scheme 2023. Collection method: clinical testing. Allele origin: germline.
Comment: The p.R376T variant (also known as c.1127G>C), located in coding exon 7 of the CTNNA1 gene, results from a G to C substitution at nucleotide position 1127. The arginine at codon 376 is replaced by threonine, an amino acid with similar properties. This amino acid position is conserved. In addition, this alteration is predicted to be deleterious by in silico analysis. Since supporting evidence is limited at this time, the clinical significance of this alteration remains unclear.